The following is an entry in ClinVar:

ClinVar aggregate classification (germline): Likely benign (1 of 4 stars; one submission).

gnomAD v4.1: 20 of 1,611,610 alleles (0.0012%); highest among the groups gnomAD compares: Admixed American, 0.0017%; no homozygotes.

Submission:

CeGaT Center for Human Genetics Tuebingen
Classification: Likely benign. Last evaluated: 2024-07-01. Review status: criteria provided, single submitter. Criteria: CeGaT Center For Human Genetics Tuebingen Variant Classification Criteria Version 2. Collection method: clinical testing. Allele origin: germline. Affected: yes. Observed: 1 variant allele.
Comment: TNIK: BP4, BP7

NM_015028.4(TNIK):c.718A>C (p.Arg240=)

Gene: TNIK (TRAF2 and NCK interacting kinase; minus strand). Cytogenetic location: 3q26.2.
Variant type: single nucleotide variant.
Coding change: c.718A>C on transcript NM_015028.4 (MANE Select); coding-DNA position 718, A replaced by C.
Protein change: p.Arg240=; no amino-acid change (arginine 240 retained).
Molecular consequence: synonymous variant.
Genome position (GRCh38, 1-based): chr3:171,175,307, T>G on the plus strand (A>C on the coding strand, the complement: TNIK is on the minus strand). VCF-style: chr3-171175307-T-G. GRCh37 (hg19) VCF-style: chr3-170893096-T-G.
Other names: c.718A>C, p.Arg240= (NM_001161560.3, NM_001161561.3, NM_001161562.3 and 4 more transcripts).
Identifiers: ClinVar variation 3257180 (VCV003257180.17).